The following is an entry in ClinVar:

NM_001244008.2(KIF1A):c.459C>T (p.Arg153=)

Gene: KIF1A (kinesin family member 1A; minus strand). Cytogenetic location: 2q37.3.
Variant type: single nucleotide variant.
Coding change: c.459C>T on transcript NM_001244008.2 (MANE Select); coding-DNA position 459, C replaced by T.
Protein change: p.Arg153=; no amino-acid change (arginine 153 retained).
Molecular consequence: synonymous variant.
Genome position (GRCh38, 1-based): chr2:240,786,484, G>A on the plus strand (C>T on the coding strand, the complement: KIF1A is on the minus strand). VCF-style: chr2-240786484-G-A. GRCh37 (hg19) VCF-style: chr2-241725901-G-A.
Other names: c.459C>T, p.Arg153= (NM_001320705.2, NM_001330289.2, NM_001330290.2 and 20 more transcripts).
Identifiers: ClinVar variation 532896 (VCV000532896.40), dbSNP rs201515208, ClinGen allele CA2208757.
Genomic context (GRCh38, chr2:240,786,484, plus strand): 5'-CAGTGGGTGCTCCCTCACGCGAAGGTTGCCCTTGTTCTTGGGGTTCAGGAGGTCACGGAC[G>A]CGCTCACAGTAAATCTCCATGTAGCTGACCTGCAGGGCAGAGCCAGGCCATCAGGGGCCC-3'
Protein context (NP_001230937.1, residues 143-163): EVSYMEIYCE[Arg153=]VRDLLNPKNK

ClinVar aggregate classification (germline): Likely benign. Review status: criteria provided, multiple submitters, no conflicts (2 of 4 stars). 6 submissions from 6 submitters: Likely benign (6). Last evaluated 2026-01-26.

Conditions:
Hereditary spastic paraplegia 30. Identifiers: Orphanet 101010, MedGen C5235139, MONDO:0012476.
Neuropathy, hereditary sensory, type 2C. Also called: Hereditary sensory and autonomic neuropathy type IIC; KIF1A-Related HSAN2 (HSAN2C). Identifiers: Orphanet 970, MedGen C3280168, MONDO:0013634, OMIM 614213.
Intellectual disability, autosomal dominant 9 (NESCAVS). Also called: NESCAV SYNDROME; KIF1A-Related Neurodevelopmental Disorder. Identifiers: Orphanet 662367, MedGen C5393830, MONDO:0013656, OMIM 614255.
Inborn genetic diseases. Identifiers: MedGen C0950123, MeSH D030342.

Allele frequency attached by ClinVar (database versions not stated): gnomAD exomes 0.00006 and 0.00012; ExAC 0.00007; gnomAD 0.00009; TOPMed 0.00013; ESP Exome Variant Server 0.00016.
gnomAD v4.1: 187 of 1,613,324 alleles (0.012%); highest among the groups gnomAD compares: Non-Finnish European, 0.014%; no homozygotes.

Submissions (6):

Labcorp Genetics (formerly Invitae), Labcorp
Classification: Likely benign for Hereditary spastic paraplegia 30; Neuropathy, hereditary sensory, type 2C; Intellectual disability, autosomal dominant 9. Last evaluated: 2026-01-26. Review status: criteria provided, single submitter. Criteria: Invitae Variant Classification Sherloc (09022015). Collection method: clinical testing. Allele origin: germline.

Women's Health and Genetics/Laboratory Corporation of America, LabCorp
Classification: Likely benign. Last evaluated: 2025-11-05. Review status: criteria provided, single submitter. Criteria: LabCorp Variant Classification Summary - May 2015. Collection method: clinical testing. Allele origin: germline.

Blueprint Genetics
Classification: Likely benign. Last evaluated: 2024-10-24. Review status: criteria provided, single submitter. Criteria: ACMG Guidelines, 2015. Collection method: clinical testing. Allele origin: germline.

CeGaT Center for Human Genetics Tuebingen
Classification: Likely benign. Last evaluated: 2023-04-01. Review status: criteria provided, single submitter. Criteria: CeGaT Center For Human Genetics Tuebingen Variant Classification Criteria Version 2. Collection method: clinical testing. Allele origin: germline. Affected: yes. Observed: 2 variant alleles.
Comment: KIF1A: BP4, BP7

GeneDx
Classification: Likely benign. Last evaluated: 2021-04-21. Review status: criteria provided, single submitter. Criteria: GeneDx Variant Classification Process June 2021. Collection method: clinical testing. Allele origin: germline. Affected: yes.

Ambry Genetics
Classification: Likely benign for Inborn genetic diseases. Last evaluated: 2017-06-29. Review status: criteria provided, single submitter. Criteria: Ambry Variant Classification Scheme 2023. Collection method: clinical testing. Allele origin: germline.